The following is an entry in ClinVar:

ClinVar aggregate classification (germline): Benign/Likely benign. Review status: criteria provided, multiple submitters, no conflicts (2 of 4 stars). 4 submissions from 4 submitters: Benign (1); Likely benign (3). Last evaluated 2025-12-01.

Conditions:
Familial cancer of breast. Also called: BREAST CANCER, FAMILIAL; Hereditary breast cancer; hereditary breast carcinoma. Identifiers: Orphanet 227535, MedGen C0346153, MONDO:0016419, OMIM 114480. Disease mechanism: loss of function.
Hereditary cancer-predisposing syndrome. Also called: Hereditary Cancer Syndrome; Neoplastic Syndromes, Hereditary; Tumor predisposition; Hereditary neoplastic syndrome. Identifiers: Orphanet 140162, MedGen C0027672, MeSH D009386, MONDO:0015356.

Allele frequency attached by ClinVar (database versions not stated): gnomAD exomes below 0.00001.
gnomAD v4.1: 1 of 1,614,216 alleles (0.000062%); no homozygotes.

Submissions (4):

Labcorp Genetics (formerly Invitae), Labcorp
Classification: Likely benign for Familial cancer of breast. Last evaluated: 2025-12-01. Review status: criteria provided, single submitter. Criteria: Invitae Variant Classification Sherloc (09022015). Collection method: clinical testing. Allele origin: germline.

Myriad Genetics, Inc.
Classification: Benign for Familial cancer of breast. Last evaluated: 2025-01-10. Review status: criteria provided, single submitter. Criteria: Myriad Autosomal Dominant, Autosomal Recessive and X-Linked Classification Criteria (2023). Collection method: clinical testing. Allele origin: unknown.
Comment: This variant is considered benign. This variant is a silent/synonymous amino acid change and it is not expected to impact splicing.

Color Diagnostics, LLC DBA Color Health
Classification: Likely benign for Hereditary cancer-predisposing syndrome. Last evaluated: 2018-10-19. Review status: criteria provided, single submitter. Criteria: ACMG Guidelines, 2015. Collection method: clinical testing. Allele origin: germline.

Ambry Genetics
Classification: Likely benign for Hereditary cancer-predisposing syndrome. Last evaluated: 2016-04-27. Review status: criteria provided, single submitter. Criteria: Ambry Variant Classification Scheme 2023. Collection method: clinical testing. Allele origin: germline.

NM_024675.4(PALB2):c.630A>G (p.Pro210=)

Gene: PALB2 (partner and localizer of BRCA2; minus strand). Cytogenetic location: 16p12.2.
Variant type: single nucleotide variant.
Coding change: c.630A>G on transcript NM_024675.4 (MANE Select); coding-DNA position 630, A replaced by G.
Protein change: p.Pro210=; no amino-acid change (proline 210 retained).
Molecular consequence: synonymous variant.
Genome position (GRCh38, 1-based): chr16:23,635,916, T>C on the plus strand (A>G on the coding strand, the complement: PALB2 is on the minus strand). VCF-style: chr16-23635916-T-C. GRCh37 (hg19) VCF-style: chr16-23647237-T-C.
Identifiers: ClinVar variation 480253 (VCV000480253.11), dbSNP rs1234068504, ClinGen allele CA494462001.